The following is an entry in ClinVar:

NM_003072.5(SMARCA4):c.4012A>G (p.Met1338Val)

Gene: SMARCA4 (SWI/SNF related BAF chromatin remodeling complex subunit ATPase 4; plus strand). Cytogenetic location: 19p13.2.
Variant type: single nucleotide variant.
Coding change: c.4012A>G on transcript NM_003072.5 (MANE Select); coding-DNA position 4012, A replaced by G.
Protein change: p.Met1338Val; replaces methionine 1338 with valine.
Molecular consequence: missense variant. On other transcripts: non-coding transcript variant (1).
Genome position (GRCh38, 1-based): chr19:11,034,974, A>G. VCF-style: chr19-11034974-A-G. GRCh37 (hg19) VCF-style: chr19-11145650-A-G.
Other names: c.4012A>G, p.Met1338Val (NM_001128844.3, NM_001128849.3, NM_001387283.1); c.3913A>G, p.Met1305Val (NM_001128845.2, NM_001128846.2, NM_001128847.4 and 2 more transcripts); short protein forms M1338V, M1305V.
Identifiers: ClinVar variation 537812 (VCV000537812.10), dbSNP rs1555785383, ClinGen allele CA404068111.

ClinVar aggregate classification (germline): Uncertain significance. Review status: criteria provided, multiple submitters, no conflicts (2 of 4 stars). 2 submissions from 2 submitters: Uncertain significance (2). Last evaluated 2025-01-20.

Conditions:
Hereditary cancer-predisposing syndrome. Also called: Tumor predisposition; Hereditary Cancer Syndrome; Hereditary neoplastic syndrome; Neoplastic Syndromes, Hereditary. Identifiers: Orphanet 140162, MedGen C0027672, MeSH D009386, MONDO:0015356.
Rhabdoid tumor predisposition syndrome 2 (RTPS2). Identifiers: Orphanet 231108, Orphanet 69077, MedGen C2750074, MONDO:0013224, OMIM 613325.

Allele frequency attached by ClinVar (database versions not stated): gnomAD exomes below 0.00001.

Submissions (2):

Ambry Genetics
Classification: Uncertain significance for Hereditary cancer-predisposing syndrome. Last evaluated: 2025-01-20. Review status: criteria provided, single submitter. Criteria: Ambry Variant Classification Scheme 2023. Collection method: clinical testing. Allele origin: germline.
Comment: The p.M1338V variant (also known as c.4012A>G), located in coding exon 28 of the SMARCA4 gene, results from an A to G substitution at nucleotide position 4012. The methionine at codon 1338 is replaced by valine, an amino acid with highly similar properties. This amino acid position is highly conserved in available vertebrate species. In addition, the in silico prediction for this alteration is inconclusive. Based on the available evidence, the clinical significance of this variant remains unclear.

Labcorp Genetics (formerly Invitae), Labcorp
Classification: Uncertain significance for Rhabdoid tumor predisposition syndrome 2. Last evaluated: 2024-04-16. Review status: criteria provided, single submitter. Criteria: Invitae Variant Classification Sherloc (09022015). Collection method: clinical testing. Allele origin: germline.
Comment: This sequence change replaces methionine, which is neutral and non-polar, with valine, which is neutral and non-polar, at codon 1338 of the SMARCA4 protein (p.Met1338Val). This variant is not present in population databases (gnomAD no frequency). This variant has not been reported in the literature in individuals affected with SMARCA4-related conditions. ClinVar contains an entry for this variant (Variation ID: 537812). Advanced modeling of protein sequence and biophysical properties (such as structural, functional, and spatial information, amino acid conservation, physicochemical variation, residue mobility, and thermodynamic stability) performed at Invitae indicates that this missense variant is expected to disrupt SMARCA4 protein function with a positive predictive value of 95%. In summary, the available evidence is currently insufficient to determine the role of this variant in disease. Therefore, it has been classified as a Variant of Uncertain Significance.